The following is an entry in ClinVar:

NM_019892.6(INPP5E):c.460C>T (p.Pro154Ser)

Gene: INPP5E (inositol polyphosphate-5-phosphatase E; minus strand). Cytogenetic location: 9q34.3.
Variant type: single nucleotide variant.
Coding change: c.460C>T on transcript NM_019892.6 (MANE Select); coding-DNA position 460, C replaced by T.
Protein change: p.Pro154Ser; replaces proline 154 with serine.
Molecular consequence: missense variant.
Genome position (GRCh38, 1-based): chr9:136,438,960, G>A on the plus strand (C>T on the coding strand, the complement: INPP5E is on the minus strand). VCF-style: chr9-136438960-G-A. GRCh37 (hg19) VCF-style: chr9-139333412-G-A.
Other names: c.460C>T, p.Pro154Ser (NM_001318502.2); c.460C>T (NM_019892.5); short protein forms P154S.
Identifiers: ClinVar variation 844000 (VCV000844000.15), dbSNP rs565209005, ClinGen allele CA5337154.

ClinVar aggregate classification (germline): Uncertain significance. Review status: criteria provided, multiple submitters, no conflicts (2 of 4 stars). 6 submissions from 6 submitters: Uncertain significance (5). 1 of the submissions does not count toward it. Last evaluated 2024-12-02.

Conditions:
Inborn genetic diseases. Identifiers: MedGen C0950123, MeSH D030342.
MORM syndrome (MORMS). Identifiers: Orphanet 75858, MedGen C1857802, MONDO:0012423, OMIM 610156.
Joubert syndrome 1 (JBTS1). Also called: Cerebellooculorenal syndrome 1; CEREBELLOPARENCHYMAL DISORDER IV. Identifiers: MedGen C4551568, MONDO:0008944, OMIM 213300.
Joubert syndrome. Also called: JOUBERT-BOLTSHAUSER SYNDROME; Familial aplasia of the vermis. Identifiers: Orphanet 475, MedGen C5979921, MONDO:0018772.
INPP5E-related disorder. Also called: INPP5E-related condition.

Allele frequency attached by ClinVar (database versions not stated): ExAC 0.00021; TOPMed 0.00026; gnomAD 0.00022 and 0.00026; gnomAD exomes 0.00013; 1000 Genomes Project 30x 0.00016; 1000 Genomes Project 0.00020.

Submissions (6):

Labcorp Genetics (formerly Invitae), Labcorp
Classification: Uncertain significance for Joubert syndrome. Last evaluated: 2024-12-02. Review status: criteria provided, single submitter. Criteria: Invitae Variant Classification Sherloc (09022015). Collection method: clinical testing. Allele origin: germline.
Comment: This sequence change replaces proline, which is neutral and non-polar, with serine, which is neutral and polar, at codon 154 of the INPP5E protein (p.Pro154Ser). This variant is present in population databases (rs565209005, gnomAD 0.05%). This variant has not been reported in the literature in individuals affected with INPP5E-related conditions. ClinVar contains an entry for this variant (Variation ID: 844000). Invitae Evidence Modeling of protein sequence and biophysical properties (such as structural, functional, and spatial information, amino acid conservation, physicochemical variation, residue mobility, and thermodynamic stability) has been performed for this missense variant. However, the output from this modeling did not meet the statistical confidence thresholds required to predict the impact of this variant on INPP5E protein function. In summary, the available evidence is currently insufficient to determine the role of this variant in disease. Therefore, it has been classified as a Variant of Uncertain Significance.

GeneDx
Classification: Uncertain significance. Last evaluated: 2024-07-02. Review status: criteria provided, single submitter. Criteria: GeneDx Variant Classification Process June 2021. Collection method: clinical testing. Allele origin: germline. Affected: yes.
Comment: In silico analysis indicates that this missense variant does not alter protein structure/function; Has not been previously published as pathogenic or benign to our knowledge

Fulgent Genetics
Classification: Uncertain significance for Joubert syndrome 1; MORM syndrome. Last evaluated: 2024-04-04. Review status: criteria provided, single submitter. Criteria: ACMG Guidelines, 2015. Collection method: clinical testing. Allele origin: germline.

Ambry Genetics
Classification: Uncertain significance for Inborn genetic diseases. Last evaluated: 2021-07-27. Review status: criteria provided, single submitter. Criteria: Ambry Variant Classification Scheme 2023. Collection method: clinical testing. Allele origin: germline.

Revvity Omics, Revvity
Classification: Uncertain significance. Last evaluated: 2020-03-02. Review status: criteria provided, single submitter. Criteria: ACMG Guidelines, 2015. Collection method: clinical testing. Allele origin: germline.

PreventionGenetics, part of Exact Sciences
Classification: Uncertain significance for INPP5E-related condition. Last evaluated: 2024-09-23. Review status: no assertion criteria provided. Collection method: clinical testing. Allele origin: germline. Not counted in ClinVar's aggregate classification.
Comment: The INPP5E c.460C>T variant is predicted to result in the amino acid substitution p.Pro154Ser. To our knowledge, this variant has not been reported in the literature. This variant is reported in 0.056% of alleles in individuals of African descent in gnomAD, which may be too common to be a primary cause of disease. Although we suspect that this variant may be benign, at this time, the clinical significance of this variant is uncertain due to the absence of conclusive functional and genetic evidence.